The following is an entry in ClinVar:

NM_000138.5(FBN1):c.7642T>C (p.Phe2548Leu)

Gene: FBN1 (fibrillin 1; minus strand). Cytogenetic location: 15q21.1.
Variant type: single nucleotide variant.
Coding change: c.7642T>C on transcript NM_000138.5 (MANE Select); coding-DNA position 7642, T replaced by C.
Protein change: p.Phe2548Leu; replaces phenylalanine 2548 with leucine.
Molecular consequence: missense variant.
Genome position (GRCh38, 1-based): chr15:48,421,615, A>G on the plus strand (T>C on the coding strand, the complement: FBN1 is on the minus strand). VCF-style: chr15-48421615-A-G. GRCh37 (hg19) VCF-style: chr15-48713812-A-G.
Other names: short protein forms F2548L.
Identifiers: ClinVar variation 1465148 (VCV001465148.6), dbSNP rs2141221864, ClinGen allele CA392325160.

ClinVar aggregate classification (germline): Uncertain significance (1 of 4 stars; one submission).

Conditions:
Marfan syndrome (MFS). Also called: MARFAN SYNDROME, TYPE I; Marfan syndrome type 1; Marfan's syndrome; Marfan syndrome, classic; FBN1-Related Marfan Syndrome. Identifiers: Orphanet 284963, Orphanet 558, MedGen C0024796, MONDO:0007947, OMIM 154700.
Familial thoracic aortic aneurysm and aortic dissection (TAAD). Also called: Thoracic aortic aneurysms and dissections. Identifiers: Orphanet 91387, MedGen C4707243, MONDO:0019625.

Submission:

Labcorp Genetics (formerly Invitae), Labcorp
Classification: Uncertain significance for Marfan syndrome; Familial thoracic aortic aneurysm and aortic dissection. Last evaluated: 2021-10-05. Review status: criteria provided, single submitter. Criteria: Invitae Variant Classification Sherloc (09022015). Collection method: clinical testing. Allele origin: germline.
Comment: This sequence change replaces phenylalanine with leucine at codon 2548 of the FBN1 protein (p.Phe2548Leu). The phenylalanine residue is moderately conserved and there is a small physicochemical difference between phenylalanine and leucine. This variant is not present in population databases (ExAC no frequency). This variant has not been reported in the literature in individuals affected with FBN1-related conditions. Advanced modeling of protein sequence and biophysical properties (such as structural, functional, and spatial information, amino acid conservation, physicochemical variation, residue mobility, and thermodynamic stability) performed at Invitae indicates that this missense variant is expected to disrupt FBN1 protein function. In summary, the available evidence is currently insufficient to determine the role of this variant in disease. Therefore, it has been classified as a Variant of Uncertain Significance.